The following is an entry in ClinVar:

NM_001286577.2(C2CD3):c.4213G>A (p.Ala1405Thr)

Gene: C2CD3 (C2 domain containing 3 centriole elongation regulator; minus strand). Cytogenetic location: 11q13.4.
Variant type: single nucleotide variant.
Coding change: c.4213G>A on transcript NM_001286577.2 (MANE Select); coding-DNA position 4213, G replaced by A.
Protein change: p.Ala1405Thr; replaces alanine 1405 with threonine.
Molecular consequence: missense variant.
Genome position (GRCh38, 1-based): chr11:74,078,505, C>T on the plus strand (G>A on the coding strand, the complement: C2CD3 is on the minus strand). VCF-style: chr11-74078505-C-T. GRCh37 (hg19) VCF-style: chr11-73789550-C-T.
Other names: c.4213G>A, p.Ala1405Thr (NM_015531.6); short protein forms A1405T.
Identifiers: ClinVar variation 1714753 (VCV001714753.5), dbSNP rs2496361864, ClinGen allele CA381818605.

ClinVar aggregate classification (germline): Uncertain significance (1 of 4 stars; one submission).

Submission:

Labcorp Genetics (formerly Invitae), Labcorp
Classification: Uncertain significance. Last evaluated: 2022-09-13. Review status: criteria provided, single submitter. Criteria: Invitae Variant Classification Sherloc (09022015). Collection method: clinical testing. Allele origin: germline.
Comment: This variant is not present in population databases (gnomAD no frequency). This sequence change replaces alanine, which is neutral and non-polar, with threonine, which is neutral and polar, at codon 1405 of the C2CD3 protein (p.Ala1405Thr). This variant has not been reported in the literature in individuals affected with C2CD3-related conditions. In summary, the available evidence is currently insufficient to determine the role of this variant in disease. Therefore, it has been classified as a Variant of Uncertain Significance. Advanced modeling of protein sequence and biophysical properties (such as structural, functional, and spatial information, amino acid conservation, physicochemical variation, residue mobility, and thermodynamic stability) performed at Invitae indicates that this missense variant is expected to disrupt C2CD3 protein function.